The following is an entry in ClinVar:

NM_018136.5(ASPM):c.8266C>T (p.Gln2756Ter)

Gene: ASPM (assembly factor for spindle microtubules; minus strand). Cytogenetic location: 1q31.3.
Variant type: single nucleotide variant.
Coding change: c.8266C>T on transcript NM_018136.5 (MANE Select); coding-DNA position 8266, C replaced by T.
Protein change: p.Gln2756Ter; replaces glutamine 2756 with a stop codon.
Molecular consequence: nonsense. On other transcripts: intron variant (1).
Genome position (GRCh38, 1-based): chr1:197,100,985, G>A on the plus strand (C>T on the coding strand, the complement: ASPM is on the minus strand). VCF-style: chr1-197100985-G-A. GRCh37 (hg19) VCF-style: chr1-197070115-G-A.
Other names: NM_018136.5(ASPM):c.8266C>T; p.Gln2756Ter; c.4066-4821C>T (NM_001206846.2); short protein forms Q2756*.
Identifiers: ClinVar variation 522990 (VCV000522990.13), dbSNP rs763909256, ClinGen allele CA344013750.

ClinVar aggregate classification (germline): Pathogenic. Review status: criteria provided, multiple submitters, no conflicts (2 of 4 stars). 5 submissions from 5 submitters: Pathogenic (5). Last evaluated 2023-04-11.

Conditions:
Microcephaly 5, primary, autosomal recessive (MCPH5). Also called: ASPM Primary Microcephaly. Identifiers: Orphanet 2512, MedGen C1837501, MONDO:0012106, OMIM 608716.

Submissions (5):

Genome-Nilou Lab
Classification: Pathogenic for Microcephaly 5, primary, autosomal recessive. Last evaluated: 2023-04-11. Review status: criteria provided, single submitter. Criteria: ACMG Guidelines, 2015. Collection method: clinical testing. Allele origin: germline. Affected: no.

Broad Center for Mendelian Genomics, Broad Institute of MIT and Harvard
Classification: Pathogenic for Microcephaly 5, primary, autosomal recessive. Last evaluated: 2022-05-04. Review status: criteria provided, single submitter. Criteria: ACMG Guidelines, 2015. Collection method: curation. Allele origin: germline. Inheritance: Autosomal recessive inheritance.
Comment: The homozygous p.Gln2756Ter variant in ASPM was identified by our study in 2 siblings with autosomal recessive primary microcephaly 5. The variant has not been previously reported in individuals with autosomal recessive primary microcephaly 5, and has been identified in 1 individual by the Genome Aggregation Database (gnomAD; dbSNP rs763909256). This variant has been reported in ClinVar (Variation ID: 522990) as pathogenic by Genomic Research Center, Shahid Beheshti University of Medical Sciences. This nonsense variant leads to a premature termination codon at position 2756, which is predicted to lead to a truncated or absent protein. Loss of function of the ASPM gene is an established disease mechanism in autosomal recessive primary microcephaly 5. In summary, this variant meets criteria to be classified as pathogenic for autosomal recessive primary microcephaly 5 based on the predicted impact of the variant, its absence from control populations, and its homozygous occurrence in affected individuals. ACMG/AMP Criteria applied: PVS1, PM3_supporting, PM2 (Richards 2015).

Genetic Services Laboratory, University of Chicago
Classification: Pathogenic. Last evaluated: 2019-01-18. Review status: criteria provided, single submitter. Criteria: ACMG Guidelines, 2015. Collection method: clinical testing. Allele origin: germline. Affected: yes.
Comment: DNA sequence analysis of the ASPM gene demonstrated a sequence change, c.8266C>T, which results in the creation of a premature stop codon at amino acid position 2756, p.Gln2756*, in the apparent homozygous state. This pathogenic sequence change is predicted to result in an abnormal transcript, which may be degraded, or may lead to the production of a truncated ASPM protein with potentially abnormal function. This pathogenic sequence change has not been reported in the literature and it is present in the gnomAD database with a low population frequency of 0.00041% (dbSNP NA).

Genomic Research Center, Shahid Beheshti University of Medical Sciences
Classification: Pathogenic for Microcephaly 5, primary, autosomal recessive. Last evaluated: 2017-12-18. Review status: criteria provided, single submitter. Criteria: ACMG Guidelines, 2015. Collection method: clinical testing. Allele origin: inherited. Affected: yes.

Juno Genomics, Hangzhou Juno Genomics, Inc
Classification: Pathogenic for Microcephaly 5, primary, autosomal recessive. Review status: criteria provided, single submitter. Criteria: ACMG Guidelines, 2015. Collection method: clinical testing. Allele origin: germline.
Comment: Absent from controls (or at extremely low frequency if recessive) in Genome Aggregation Database.;Null variant in a gene where loss of function (LOF) is a known mechanism of disease.;For recessive disorders, detected in trans with a pathogenic variant.;Patient's phenotype or family history is highly specific for a disease with a single genetic etiology.